The following is an entry in ClinVar:

NM_001267550.2(TTN):c.2696A>G (p.Lys899Arg)

Gene: TTN (titin; minus strand). Cytogenetic location: 2q31.2.
Variant type: single nucleotide variant.
Coding change: c.2696A>G on transcript NM_001267550.2 (MANE Select); coding-DNA position 2696, A replaced by G.
Protein change: p.Lys899Arg; replaces lysine 899 with arginine.
Molecular consequence: missense variant.
Genome position (GRCh38, 1-based): chr2:178,784,149, T>C on the plus strand (A>G on the coding strand, the complement: TTN is on the minus strand). VCF-style: chr2-178784149-T-C. GRCh37 (hg19) VCF-style: chr2-179648876-T-C.
Other names: c.2696A>G, p.Lys899Arg (NM_001256850.1, NM_133378.4, NM_133379.5); c.2558A>G, p.Lys853Arg (NM_003319.4, NM_133432.3, NM_133437.4); short protein forms K853R, K899R.
Identifiers: ClinVar variation 1793032 (VCV001793032.2), dbSNP rs1344547208, ClinGen allele CA349495387.
Genomic context (GRCh38, chr2:178,784,149, plus strand): 5'-AGTACTTCAAAGCGCTCTTCACGGACGGTGGTGCCAGTGATGCTCACCCCTACTTCCTTT[T>C]TCACCTCAACGCCAGCTTCACTCTTGTAAGTATCTGGTGTGTCAGCGAAGGGGAACTGTG-3'
Protein context (NP_001254479.2, residues 889-909): TYKSEAGVEV[Lys899Arg]KEVGVSITGT

ClinVar aggregate classification (germline): Uncertain significance (1 of 4 stars; one submission).

Conditions:
Cardiovascular phenotype. Identifiers: MedGen CN230736.

Allele frequency attached by ClinVar (database versions not stated): gnomAD exomes below 0.00001.
gnomAD v4.1: 1 of 1,614,144 alleles (0.000062%); highest among the groups gnomAD compares: Non-Finnish European, 0.000085%; no homozygotes.

Submission:

Ambry Genetics
Classification: Uncertain significance for Cardiovascular phenotype. Last evaluated: 2020-03-30. Review status: criteria provided, single submitter. Criteria: Ambry Variant Classification Scheme 2023. Collection method: clinical testing. Allele origin: germline.
Comment: The p.K853R variant (also known as c.2558A>G), located in coding exon 14 of the TTN gene, results from an A to G substitution at nucleotide position 2558. The lysine at codon 853 is replaced by arginine, an amino acid with highly similar properties. This amino acid position is well conserved in available vertebrate species. In addition, this alteration is predicted to be tolerated by in silico analysis. Since supporting evidence is limited at this time, the clinical significance of this alteration remains unclear.